The following is an entry in ClinVar:

ClinVar aggregate classification (germline): Uncertain significance (1 of 4 stars; one submission).

Allele frequency attached by ClinVar (database versions not stated): gnomAD exomes below 0.00001; TOPMed below 0.00001.
gnomAD v4.1: 1 of 1,614,124 alleles (0.000062%); highest among the groups gnomAD compares: Non-Finnish European, 0.000085%; no homozygotes.

Submission:

Labcorp Genetics (formerly Invitae), Labcorp
Classification: Uncertain significance. Last evaluated: 2023-08-07. Review status: criteria provided, single submitter. Criteria: Invitae Variant Classification Sherloc (09022015). Collection method: clinical testing. Allele origin: germline.
Comment: This sequence change replaces glutamic acid, which is acidic and polar, with aspartic acid, which is acidic and polar, at codon 1448 of the TCF20 protein (p.Glu1448Asp). This variant is not present in population databases (gnomAD no frequency). This variant has not been reported in the literature in individuals affected with TCF20-related conditions. An algorithm developed to predict the effect of missense changes on protein structure and function (PolyPhen-2) suggests that this variant is likely to be tolerated. In summary, the available evidence is currently insufficient to determine the role of this variant in disease. Therefore, it has been classified as a Variant of Uncertain Significance.

NM_001378418.1(TCF20):c.4344G>C (p.Glu1448Asp)

Gene: TCF20 (transcription factor 20; minus strand). Cytogenetic location: 22q13.2.
Variant type: single nucleotide variant.
Coding change: c.4344G>C on transcript NM_001378418.1 (MANE Select); coding-DNA position 4344, G replaced by C.
Protein change: p.Glu1448Asp; replaces glutamic acid 1448 with aspartic acid.
Molecular consequence: missense variant.
Genome position (GRCh38, 1-based): chr22:42,210,962, C>G on the plus strand (G>C on the coding strand, the complement: TCF20 is on the minus strand). VCF-style: chr22-42210962-C-G. GRCh37 (hg19) VCF-style: chr22-42606968-C-G.
Other names: c.4344G>C, p.Glu1448Asp (NM_005650.4, NM_181492.3); short protein forms E1448D.
Identifiers: ClinVar variation 2901790 (VCV002901790.3), dbSNP rs1920944898, ClinGen allele CA411784528.